The following is an entry in ClinVar:

NM_000426.4(LAMA2):c.4204C>T (p.Arg1402Cys)

Gene: LAMA2 (laminin subunit alpha 2; plus strand). Cytogenetic location: 6q22.33.
Variant type: single nucleotide variant.
Coding change: c.4204C>T on transcript NM_000426.4 (MANE Select); coding-DNA position 4204, C replaced by T.
Protein change: p.Arg1402Cys; replaces arginine 1402 with cysteine.
Molecular consequence: missense variant.
Genome position (GRCh38, 1-based): chr6:129,328,305, C>T. VCF-style: chr6-129328305-C-T. GRCh37 (hg19) VCF-style: chr6-129649450-C-T.
Other names: c.4204C>T, p.Arg1402Cys (NM_001079823.2); short protein forms R1402C.
Identifiers: ClinVar variation 654988 (VCV000654988.8), dbSNP rs762360002, ClinGen allele CA3993480.

ClinVar aggregate classification (germline): Uncertain significance (1 of 4 stars; one submission).

Conditions:
LAMA2-related muscular dystrophy (LAMA2-RD). Also called: Laminin alpha 2-related dystrophy. Identifiers: MedGen C5679788, MONDO:0100228.

Allele frequency attached by ClinVar (database versions not stated): gnomAD exomes below 0.00001; ExAC 0.00001; TOPMed 0.00002.
gnomAD v4.1: 9 of 1,613,988 alleles (0.00056%); highest among the groups gnomAD compares: East Asian, 0.0022%; no homozygotes.

Submission:

Labcorp Genetics (formerly Invitae), Labcorp
Classification: Uncertain significance for LAMA2-related muscular dystrophy. Last evaluated: 2026-01-19. Review status: criteria provided, single submitter. Criteria: Invitae Variant Classification Sherloc (09022015). Collection method: clinical testing. Allele origin: germline.
Comment: This sequence change replaces arginine, which is basic and polar, with cysteine, which is neutral and slightly polar, at codon 1402 of the LAMA2 protein (p.Arg1402Cys). This variant is present in population databases (rs762360002, gnomAD 0.003%). This variant has not been reported in the literature in individuals affected with LAMA2-related conditions. ClinVar contains an entry for this variant (Variation ID: 654988). Invitae Evidence Modeling of protein sequence and biophysical properties (such as structural, functional, and spatial information, amino acid conservation, physicochemical variation, residue mobility, and thermodynamic stability) indicates that this missense variant is not expected to disrupt LAMA2 protein function with a negative predictive value of 95%. In summary, the available evidence is currently insufficient to determine the role of this variant in disease. Therefore, it has been classified as a Variant of Uncertain Significance.